The following is an entry in ClinVar:

ClinVar aggregate classification (germline): Uncertain significance (1 of 4 stars; one submission).

Conditions:
Majeed syndrome (MJDS). Also called: LPIN2-Related Majeed Syndrome; CHRONIC RECURRENT MULTIFOCAL OSTEOMYELITIS 1, WITH CONGENITAL DYSERYTHROPOIETIC ANEMIA, WITH OR WITHOUT NEUTROPHILIC DERMATOSIS. Identifiers: Orphanet 77297, MedGen C1864997, MONDO:0012316, OMIM 609628.

Allele frequency attached by ClinVar (database versions not stated): gnomAD exomes below 0.00001.
gnomAD v4.1: 1 of 1,614,072 alleles (0.000062%); highest among the groups gnomAD compares: Non-Finnish European, 0.000085%; no homozygotes.

Submission:

Labcorp Genetics (formerly Invitae), Labcorp
Classification: Uncertain significance for Majeed syndrome. Last evaluated: 2025-08-22. Review status: criteria provided, single submitter. Criteria: Invitae Variant Classification Sherloc (09022015). Collection method: clinical testing. Allele origin: germline.
Comment: This sequence change replaces proline, which is neutral and non-polar, with threonine, which is neutral and polar, at codon 251 of the LPIN2 protein (p.Pro251Thr). This variant is present in population databases (no rsID available, gnomAD 0.0009%). This variant has not been reported in the literature in individuals affected with LPIN2-related conditions. ClinVar contains an entry for this variant (Variation ID: 1435318). Invitae Evidence Modeling of protein sequence and biophysical properties (such as structural, functional, and spatial information, amino acid conservation, physicochemical variation, residue mobility, and thermodynamic stability) indicates that this missense variant is not expected to disrupt LPIN2 protein function with a negative predictive value of 80%. In summary, the available evidence is currently insufficient to determine the role of this variant in disease. Therefore, it has been classified as a Variant of Uncertain Significance.

NM_001375808.2(LPIN2):c.751C>A (p.Pro251Thr)

Gene: LPIN2 (lipin 2; minus strand). Cytogenetic location: 18p11.31.
Variant type: single nucleotide variant.
Coding change: c.751C>A on transcript NM_001375808.2 (MANE Select); coding-DNA position 751, C replaced by A.
Protein change: p.Pro251Thr; replaces proline 251 with threonine.
Molecular consequence: missense variant.
Genome position (GRCh38, 1-based): chr18:2,939,551, G>T on the plus strand (C>A on the coding strand, the complement: LPIN2 is on the minus strand). VCF-style: chr18-2939551-G-T. GRCh37 (hg19) VCF-style: chr18-2939549-G-T.
Other names: c.751C>A, p.Pro251Thr (NM_001375809.1, NM_014646.2); short protein forms P251T.
Identifiers: ClinVar variation 1435318 (VCV001435318.8), dbSNP rs1350091087, ClinGen allele CA401707297.
Genomic context (GRCh38, chr18:2,939,551, plus strand): 5'-CTGGGAATCCGCCCCACGTCCACTCCATGTGAGACTCTGATCTGAGCAGGCTCTCCGCAG[G>T]TTTCACCTCCAGCTCTGAATCACTCTTAGGACACGCTGTCTGGGGATAGGTGCTGCAAAG-3'
Protein context (NP_001362737.1, residues 241-261): PKSDSELEVK[Pro251Thr]AESLLRSESH